The following is an entry in ClinVar:

NM_001323289.2(CDKL5):c.258C>A (p.Tyr86Ter)

Gene: CDKL5 (cyclin dependent kinase like 5; plus strand). Cytogenetic location: Xp22.13.
Variant type: single nucleotide variant.
Coding change: c.258C>A on transcript NM_001323289.2 (MANE Select); coding-DNA position 258, C replaced by A.
Protein change: p.Tyr86Ter; replaces tyrosine 86 with a stop codon.
Molecular consequence: nonsense.
Genome position (GRCh38, 1-based): chrX:18,575,466, C>A. VCF-style: chrX-18575466-C-A. GRCh37 (hg19) VCF-style: chrX-18593586-C-A.
Other names: c.258C>A, p.Tyr86Ter (NM_001037343.2, NM_003159.3); short protein forms Y86*.
Identifiers: ClinVar variation 2946090 (VCV002946090.3), dbSNP rs1085307470, ClinGen allele CA412348811.
Genomic context (GRCh38, chrX:18,575,466, plus strand): 5'-TCTCAAGCAGGAAAACATTGTGGAGTTGAAGGAAGCATTTCGTCGGAGGGGAAAGTTGTA[C>A]TTGGTGTTTGAGTATGTTGAAAAAGTAAGTCATTAATTGCCAATGTGCACATTTGCCCGA-3'

ClinVar aggregate classification (germline): Pathogenic (1 of 4 stars; one submission).

Conditions:
Developmental and epileptic encephalopathy, 2 (DEE2). Also called: INFANTILE SPASM SYNDROME, X-LINKED 2; CDKL5 deficiency disorder. Identifiers: Orphanet 1934, Orphanet 3451, Orphanet 505652, MedGen C4750718, MONDO:0010396, OMIM 300672.
Angelman syndrome-like. Identifiers: MedGen CN128785.

Submission:

Labcorp Genetics (formerly Invitae), Labcorp
Classification: Pathogenic for Developmental and epileptic encephalopathy, 2; Angelman syndrome-like. Last evaluated: 2023-04-03. Review status: criteria provided, single submitter. Criteria: Invitae Variant Classification Sherloc (09022015). Collection method: clinical testing. Allele origin: germline.
Comment: For these reasons, this variant has been classified as Pathogenic. This premature translational stop signal has been observed in individual(s) with CDKL5 deficiency (PMID: 29264392). This variant is not present in population databases (gnomAD no frequency). This sequence change creates a premature translational stop signal (p.Tyr86*) in the CDKL5 gene. It is expected to result in an absent or disrupted protein product. Loss-of-function variants in CDKL5 are known to be pathogenic (PMID: 22872100).

Literature cited by the submitters: PubMed 29264392; PubMed 22872100.